The following is an entry in ClinVar:

NM_006892.4(DNMT3B):c.*443C>T

Gene: DNMT3B (DNA methyltransferase 3 beta; plus strand). Cytogenetic location: 20q11.21.
Variant type: single nucleotide variant.
Coding change: c.*443C>T on transcript NM_006892.4 (MANE Select); 443 bases downstream of the stop codon, C replaced by T.
Molecular consequence: 3 prime UTR variant.
Genome position (GRCh38, 1-based): chr20:32,808,346, C>T. VCF-style: chr20-32808346-C-T. GRCh37 (hg19) VCF-style: chr20-31396152-C-T.
Other names: c.*443C>T (NM_001207055.2, NM_001207056.2, NM_175848.2 and 2 more transcripts).
Identifiers: ClinVar variation 338192 (VCV000338192.6), dbSNP rs6058896, ClinGen allele CA10653072.

ClinVar aggregate classification (germline): Benign. Review status: criteria provided, multiple submitters, no conflicts (2 of 4 stars). 2 submissions from 2 submitters: Benign (2). Last evaluated 2018-01-12.

Conditions:
Immunodeficiency-centromeric instability-facial anomalies syndrome 1 (ICF1). Identifiers: Orphanet 2268, MedGen C4551557, MONDO:0009454, OMIM 242860.

Allele frequency attached by ClinVar (database versions not stated): gnomAD exomes 0.06455; gnomAD 0.07674 and 0.07771; TOPMed 0.07675; 1000 Genomes Project 0.08287; 1000 Genomes Project 30x 0.08339.
gnomAD v4.1: 21,921 of 309,662 alleles (7.1%); highest among the groups gnomAD compares: African/African-American, 12%; 881 homozygotes.

Submissions (2):

Illumina Laboratory Services, Illumina
Classification: Benign for Immunodeficiency-centromeric instability-facial anomalies syndrome 1. Last evaluated: 2018-01-12. Review status: criteria provided, single submitter. Criteria: ICSL Variant Classification Criteria 13 December 2019. Collection method: clinical testing. Allele origin: germline.
Comment: This variant was observed in the ICSL laboratory as part of a predisposition screen in an ostensibly healthy population. It had not been previously curated by ICSL or reported in the Human Gene Mutation Database (HGMD: prior to June 1st, 2018), and was therefore a candidate for classification through an automated scoring system. Utilizing variant allele frequency, disease prevalence and penetrance estimates, and inheritance mode, an automated score was calculated to assess if this variant is too frequent to cause the disease. Based on the score and internal cut-off values, a variant classified as benign is not then subjected to further curation. The score for this variant resulted in a classification of benign for this disease.

Breakthrough Genomics
Classification: Benign. Review status: criteria provided, single submitter. Criteria: ACMG Guidelines, 2015. Collection method: not provided. Allele origin: germline. Inheritance: Autosomal recessive inheritance. Affected: yes.